The following is an entry in ClinVar:

NM_001023.4(RPS20):c.261A>G (p.Arg87=)

Gene: RPS20 (ribosomal protein S20; minus strand). Cytogenetic location: 8q12.1.
Variant type: single nucleotide variant.
Coding change: c.261A>G on transcript NM_001023.4 (MANE Select); coding-DNA position 261, A replaced by G.
Protein change: p.Arg87=; no amino-acid change (arginine 87 retained).
Molecular consequence: synonymous variant.
Genome position (GRCh38, 1-based): chr8:56,073,189, T>C on the plus strand (A>G on the coding strand, the complement: RPS20 is on the minus strand). VCF-style: chr8-56073189-T-C. GRCh37 (hg19) VCF-style: chr8-56985748-T-C.
Other names: c.261A>G, p.Arg87= (NM_001146227.3).
Identifiers: ClinVar variation 1793902 (VCV001793902.6), dbSNP rs372054935, ClinGen allele CA177248749.

ClinVar aggregate classification (germline): Benign/Likely benign. Review status: criteria provided, multiple submitters, no conflicts (2 of 4 stars). 3 submissions from 3 submitters: Benign (1); Likely benign (2). Last evaluated 2026-08-04.

Conditions:
Familial colorectal cancer type X. Identifiers: Orphanet 440437, MedGen C3896578, MONDO:0018604.

Allele frequency attached by ClinVar (database versions not stated): TOPMed 0.00004; gnomAD 0.00009; gnomAD exomes 0.00001.
gnomAD v4.1: 20 of 1,601,326 alleles (0.0012%); highest among the groups gnomAD compares: African/African-American, 0.024%; no homozygotes.

Submissions (3):

Myriad Genetics, Inc.
Classification: Benign for Familial colorectal cancer type X. Last evaluated: 2026-08-04. Review status: criteria provided, single submitter. Criteria: Myriad Autosomal Dominant, Autosomal Recessive and X-Linked Classification Criteria (2023). Collection method: clinical testing. Allele origin: unknown.
Comment: This variant is considered benign. This variant is a silent/synonymous amino acid change and it is not expected to impact splicing.

Labcorp Genetics (formerly Invitae), Labcorp
Classification: Likely benign. Last evaluated: 2024-03-26. Review status: criteria provided, single submitter. Criteria: Invitae Variant Classification Sherloc (09022015). Collection method: clinical testing. Allele origin: germline.

Ambry Genetics
Classification: Likely benign. Last evaluated: 2022-02-12. Review status: criteria provided, single submitter. Criteria: Ambry Variant Classification Scheme 2023. Collection method: clinical testing. Allele origin: germline.